The following is an entry in ClinVar:

ClinVar aggregate classification (germline): Uncertain significance (1 of 4 stars; one submission).

Conditions:
Immunodeficiency 104. Also called: SCID, AUTOSOMAL RECESSIVE, T CELL-NEGATIVE, B CELL-POSITIVE, NK CELL-POSITIVE; Severe combined immunodeficiency, autosomal recessive, T cell-negative, B cell-positive, NK cell-positive; Severe Combined Immune Deficiency, Autosomal Recessive, TCell -Negative, B Cell-Positive, NK Cell-Positive, IL7R-Related; IMMUNODEFICIENCY 104, SEVERE COMBINED. Identifiers: MedGen C5676890, MONDO:0012163, OMIM 608971.

Submission:

Labcorp Genetics (formerly Invitae), Labcorp
Classification: Uncertain significance for Immunodeficiency 104. Last evaluated: 2021-08-28. Review status: criteria provided, single submitter. Criteria: Invitae Variant Classification Sherloc (09022015). Collection method: clinical testing. Allele origin: germline.
Comment: This sequence change replaces alanine with aspartic acid at codon 76 of the IL7R protein (p.Ala76Asp). The alanine residue is highly conserved and there is a moderate physicochemical difference between alanine and aspartic acid. This variant is not present in population databases (ExAC no frequency). This variant has not been reported in the literature in individuals affected with IL7R-related conditions. Algorithms developed to predict the effect of missense changes on protein structure and function are either unavailable or do not agree on the potential impact of this missense change (SIFT: "Deleterious"; PolyPhen-2: "Benign"; Align-GVGD: "Class C15"). In summary, the available evidence is currently insufficient to determine the role of this variant in disease. Therefore, it has been classified as a Variant of Uncertain Significance.

NM_002185.5(IL7R):c.227C>A (p.Ala76Asp)

Gene: IL7R (interleukin 7 receptor; plus strand). Cytogenetic location: 5p13.2.
Variant type: single nucleotide variant.
Coding change: c.227C>A on transcript NM_002185.5 (MANE Select); coding-DNA position 227, C replaced by A.
Protein change: p.Ala76Asp; replaces alanine 76 with aspartic acid.
Molecular consequence: missense variant. On other transcripts: non-coding transcript variant (1).
Genome position (GRCh38, 1-based): chr5:35,867,311, C>A. VCF-style: chr5-35867311-C-A. GRCh37 (hg19) VCF-style: chr5-35867413-C-A.
Other names: short protein forms A76D.
Identifiers: ClinVar variation 1008596 (VCV001008596.6), dbSNP rs755030275, ClinGen allele CA359427611.